The following is an entry in ClinVar:

NM_005529.7(HSPG2):c.6157G>A (p.Val2053Ile)

Gene: HSPG2 (heparan sulfate proteoglycan 2; minus strand). Cytogenetic location: 1p36.12.
Variant type: single nucleotide variant.
Coding change: c.6157G>A on transcript NM_005529.7 (MANE Select); coding-DNA position 6157, G replaced by A.
Protein change: p.Val2053Ile; replaces valine 2053 with isoleucine.
Molecular consequence: missense variant.
Genome position (GRCh38, 1-based): chr1:21,854,742, C>T on the plus strand (G>A on the coding strand, the complement: HSPG2 is on the minus strand). VCF-style: chr1-21854742-C-T. GRCh37 (hg19) VCF-style: chr1-22181235-C-T.
Other names: c.6160G>A, p.Val2054Ile (NM_001291860.2); short protein forms V2053I, V2054I.
Identifiers: ClinVar variation 3371440 (VCV003371440.1).

ClinVar aggregate classification (germline): Uncertain significance (1 of 4 stars; one submission).

gnomAD v4.1: 3 of 1,613,744 alleles (0.00019%); highest among the groups gnomAD compares: Non-Finnish European, 0.000085%; no homozygotes.

Submission:

GeneDx
Classification: Uncertain significance. Last evaluated: 2024-03-28. Review status: criteria provided, single submitter. Criteria: GeneDx Variant Classification Process June 2021. Collection method: clinical testing. Allele origin: germline. Affected: yes.
Comment: Not observed at significant frequency in large population cohorts (gnomAD); In silico analysis supports that this missense variant does not alter protein structure/function; Has not been previously published as pathogenic or benign to our knowledge